The following is an entry in ClinVar:

NM_000426.4(LAMA2):c.35T>G (p.Leu12Arg)

Gene: LAMA2 (laminin subunit alpha 2; plus strand). Cytogenetic location: 6q22.33.
Variant type: single nucleotide variant.
Coding change: c.35T>G on transcript NM_000426.4 (MANE Select); coding-DNA position 35, T replaced by G.
Protein change: p.Leu12Arg; replaces leucine 12 with arginine.
Molecular consequence: missense variant.
Genome position (GRCh38, 1-based): chr6:128,883,280, T>G. VCF-style: chr6-128883280-T-G. GRCh37 (hg19) VCF-style: chr6-129204425-T-G.
Other names: c.35T>G, p.Leu12Arg (NM_001079823.2); short protein forms L12R.
Identifiers: ClinVar variation 3339149 (VCV003339149.1).

ClinVar aggregate classification (germline): Uncertain significance (1 of 4 stars; one submission).

Submission:

Women's Health and Genetics/Laboratory Corporation of America, LabCorp
Classification: Uncertain significance. Last evaluated: 2024-07-03. Review status: criteria provided, single submitter. Criteria: LabCorp Variant Classification Summary - May 2015. Collection method: clinical testing. Allele origin: germline.
Comment: Variant summary: LAMA2 c.35T>G (p.Leu12Arg) results in a non-conservative amino acid change in the encoded protein sequence. Three of five in-silico tools predict a damaging effect of the variant on protein function. The variant was absent in 181444 control chromosomes. The available data on variant occurrences in the general population are insufficient to allow any conclusion about variant significance. c.35T>G has been reported in the literature in a compound heterozygous individual affected with Laminin Alpha 2-Related Dystrophy (Lokken_2015, Quijano-Roy_2022). These report(s) do not provide unequivocal conclusions about association of the variant with Laminin Alpha 2-Related Dystrophy. To our knowledge, no experimental evidence demonstrating an impact on protein function has been reported. The following publications have been ascertained in the context of this evaluation (PMID: 25663498, 34559299). No submitters have cited clinical-significance assessments for this variant to ClinVar. Based on the evidence outlined above, the variant was classified as uncertain significance.

Literature cited by the submitters: PubMed 25663498; PubMed 34559299.